The following is an entry in ClinVar:

NM_001008537.3(NEXMIF):c.2423del (p.Pro808fs)

Gene: NEXMIF (neurite extension and migration factor; minus strand). Cytogenetic location: Xq13.3.
Variant type: Deletion.
Coding change: c.2423del on transcript NM_001008537.3 (MANE Select); coding-DNA position 2423, one base deleted (C; older notation c.2423delC).
Protein change: p.Pro808fs; shifts the reading frame from proline 808.
Molecular consequence: frameshift variant.
Genome position (GRCh38, 1-based): chrX:74,742,134, G deleted on the plus strand (C on the coding strand, the reverse complement: NEXMIF is on the minus strand); the first of 2 consecutive G bases (chrX:74,742,134-74,742,135); deleting either gives the same sequence. VCF-style (leftmost placement, unchanged base first): chrX-74742133-AG-A. GRCh37 (hg19) VCF-style: chrX-73961968-AG-A.
Other names: short protein forms P808fs.
Identifiers: ClinVar variation 3662748 (VCV003662748.3).

ClinVar aggregate classification (germline): Pathogenic/Likely pathogenic. Review status: criteria provided, multiple submitters, no conflicts (2 of 4 stars). 2 submissions from 2 submitters: Pathogenic (1); Likely pathogenic (1). Last evaluated 2024-08-18.

Conditions:
X-linked intellectual disability, Cantagrel type (XLID98). Also called: INTELLECTUAL DEVELOPMENTAL DISORDER, X-LINKED 98. Identifiers: Orphanet 85277, MedGen C3806730, MONDO:0010483, OMIM 300912.

Submissions (2):

Labcorp Genetics (formerly Invitae), Labcorp
Classification: Pathogenic. Last evaluated: 2024-08-18. Review status: criteria provided, single submitter. Criteria: Invitae Variant Classification Sherloc (09022015). Collection method: clinical testing. Allele origin: germline.
Comment: This sequence change creates a premature translational stop signal (p.Pro808Leufs*12) in the NEXMIF gene. It is expected to result in an absent or disrupted protein product. Loss-of-function variants in NEXMIF are known to be pathogenic (PMID: 23615299). This variant is not present in population databases (gnomAD no frequency). This variant has not been reported in the literature in individuals affected with NEXMIF-related conditions. For these reasons, this variant has been classified as Pathogenic.

Solve-RD Consortium
Classification: Likely pathogenic for X-linked intellectual disability, Cantagrel type. Review status: criteria provided, single submitter. Criteria: ACMG Guidelines, 2015. Collection method: provider interpretation. Allele origin: germline. Inheritance: Autosomal dominant inheritance. Affected: yes. Study: Solve-RD DIFT-EpiCARE reanalysis.
Comment: PVS1, PM2

Variant identified during reanalysis of unsolved cases by the Solve-RD project. The Solve-RD project has received funding from the European Union’s Horizon 2020 research and innovation programme under grant agreement No 779257.

Literature cited by the submitters: PubMed 23615299 (cited by Labcorp Genetics (formerly Invitae), Labcorp).